The following is an entry in ClinVar:

ClinVar aggregate classification (germline): Uncertain significance (1 of 4 stars; one submission).

Conditions:
Inborn genetic diseases. Identifiers: MedGen C0950123, MeSH D030342.

Submission:

Ambry Genetics
Classification: Uncertain significance for Inborn genetic diseases. Last evaluated: 2025-05-11. Review status: criteria provided, single submitter. Criteria: Ambry Variant Classification Scheme 2023. Collection method: clinical testing. Allele origin: germline.
Comment: The p.A1033V variant (also known as c.3098C>T), located in coding exon 24 of the ANKRD26 gene, results from a C to T substitution at nucleotide position 3098. The alanine at codon 1033 is replaced by valine, an amino acid with similar properties. This amino acid position is conserved. In addition, this alteration is predicted to be tolerated by in silico analysis. Based on the available evidence, the clinical significance of this variant remains unclear.

NM_014915.3(ANKRD26):c.3098C>T (p.Ala1033Val)

Gene: ANKRD26 (ankyrin repeat domain containing 26; minus strand). Cytogenetic location: 10p12.1.
Variant type: single nucleotide variant.
Coding change: c.3098C>T on transcript NM_014915.3 (MANE Select); coding-DNA position 3098, C replaced by T.
Protein change: p.Ala1033Val; replaces alanine 1033 with valine.
Molecular consequence: missense variant.
Genome position (GRCh38, 1-based): chr10:27,035,352, G>A on the plus strand (C>T on the coding strand, the complement: ANKRD26 is on the minus strand). VCF-style: chr10-27035352-G-A. GRCh37 (hg19) VCF-style: chr10-27324281-G-A.
Other names: c.3095C>T, p.Ala1032Val (NM_001256053.2); short protein forms A1032V, A1033V.
Identifiers: ClinVar variation 3914404 (VCV003914404.1).